The following is an entry in ClinVar:

NM_000052.7(ATP7A):c.1286A>G (p.Glu429Gly)

Gene: ATP7A (ATPase copper transporting alpha; plus strand). Cytogenetic location: Xq21.1.
Variant type: single nucleotide variant.
Coding change: c.1286A>G on transcript NM_000052.7 (MANE Select); coding-DNA position 1286, A replaced by G.
Protein change: p.Glu429Gly; replaces glutamic acid 429 with glycine.
Molecular consequence: missense variant.
Genome position (GRCh38, 1-based): chrX:77,989,908, A>G. VCF-style: chrX-77989908-A-G. GRCh37 (hg19) VCF-style: chrX-77245404-A-G.
Other names: c.1286A>G, p.Glu429Gly (NM_001282224.2); short protein forms E429G.
Identifiers: ClinVar variation 1056968 (VCV001056968.7), dbSNP rs2077660217, ClinGen allele CA413602210.

ClinVar aggregate classification (germline): Conflicting classifications of pathogenicity. Review status: criteria provided, conflicting classifications (1 of 4 stars). 2 submissions from 2 submitters: Uncertain significance (1); Likely benign (1). Last evaluated 2024-09-20.

Conditions:
Menkes kinky-hair syndrome (MNK). Also called: Copper transport disease; Classic Menkes Disease; Menkes Disease. Identifiers: Orphanet 565, MedGen C0022716, MONDO:0010651, OMIM 309400.
Cutis laxa, X-linked (OHS). Also called: EDS IX; Occipital horn syndrome. Identifiers: Orphanet 198, MedGen C0268353, MONDO:0010572, OMIM 304150.
X-linked distal spinal muscular atrophy type 3. Also called: SPINAL MUSCULAR ATROPHY, DISTAL, X-LINKED RECESSIVE; ATP7A-Related Distal Motor Neuropathy; NEURONOPATHY, DISTAL HEREDITARY MOTOR, X-LINKED; NEUROPATHY, DISTAL HEREDITARY MOTOR, X-LINKED. Identifiers: Orphanet 139557, MedGen C1845359, MONDO:0010338, OMIM 300489.

Allele frequency attached by ClinVar (database versions not stated): gnomAD 0.00001.

Submissions (2):

3billion
Classification: Likely benign for Menkes kinky-hair syndrome; X-linked distal spinal muscular atrophy type 3; Cutis laxa, X-linked. Last evaluated: 2024-09-20. Review status: criteria provided, single submitter. Criteria: ACMG Guidelines, 2015. Collection method: clinical testing. Allele origin: germline. Affected: no.
Comment: The hemizygous variant was found in patients diagnosed with another variant in a different gene, with no symptoms related to the gene containing the hemizygous variant.

Labcorp Genetics (formerly Invitae), Labcorp
Classification: Uncertain significance for X-linked distal spinal muscular atrophy type 3; Cutis laxa, X-linked; Menkes kinky-hair syndrome. Last evaluated: 2021-08-30. Review status: criteria provided, single submitter. Criteria: Invitae Variant Classification Sherloc (09022015). Collection method: clinical testing. Allele origin: germline.
Comment: This sequence change replaces glutamic acid with glycine at codon 429 of the ATP7A protein (p.Glu429Gly). The glutamic acid residue is highly conserved and there is a moderate physicochemical difference between glutamic acid and glycine. This variant is not present in population databases (ExAC no frequency). This variant has not been reported in the literature in individuals affected with ATP7A-related conditions. Algorithms developed to predict the effect of missense changes on protein structure and function are either unavailable or do not agree on the potential impact of this missense change (SIFT: "Deleterious"; PolyPhen-2: "Possibly Damaging"; Align-GVGD: "Class C0"). In summary, the available evidence is currently insufficient to determine the role of this variant in disease. Therefore, it has been classified as a Variant of Uncertain Significance.